The following is an entry in ClinVar:

NM_006297.3(XRCC1):c.900A>G (p.Arg300=)

Gene: XRCC1 (X-ray repair cross complementing 1; minus strand). Cytogenetic location: 19q13.31.
Variant type: single nucleotide variant.
Coding change: c.900A>G on transcript NM_006297.3 (MANE Select); coding-DNA position 900, A replaced by G.
Protein change: p.Arg300=; no amino-acid change (arginine 300 retained).
Molecular consequence: synonymous variant.
Genome position (GRCh38, 1-based): chr19:43,552,199, T>C on the plus strand (A>G on the coding strand, the complement: XRCC1 is on the minus strand). VCF-style: chr19-43552199-T-C. GRCh37 (hg19) VCF-style: chr19-44056351-T-C.
Identifiers: ClinVar variation 719831 (VCV000719831.10), dbSNP rs3213366, ClinGen allele CA9488627.

ClinVar aggregate classification (germline): Benign/Likely benign. Review status: criteria provided, multiple submitters, no conflicts (2 of 4 stars). 2 submissions from 2 submitters: Benign (1); Likely benign (1). Last evaluated 2025-04-01.

Allele frequency attached by ClinVar (database versions not stated): gnomAD exomes 0.00034 and 0.00094; ExAC 0.00101; 1000 Genomes Project 0.00300; ESP Exome Variant Server 0.00315; gnomAD 0.00361 and 0.00391; 1000 Genomes Project 30x 0.00375; TOPMed 0.00459.
gnomAD v4.1: 1,073 of 1,613,920 alleles (0.066%); highest among the groups gnomAD compares: African/African-American, 1.2%; 9 homozygotes.

Submissions (2):

CeGaT Center for Human Genetics Tuebingen
Classification: Likely benign. Last evaluated: 2025-04-01. Review status: criteria provided, single submitter. Criteria: CeGaT Center For Human Genetics Tuebingen Variant Classification Criteria Version 2. Collection method: clinical testing. Allele origin: germline. Affected: yes. Observed: 1 variant allele.
Comment: XRCC1: BP4, BP7, BS1

Labcorp Genetics (formerly Invitae), Labcorp
Classification: Benign. Last evaluated: 2017-12-11. Review status: criteria provided, single submitter. Criteria: Invitae Variant Classification Sherloc (09022015). Collection method: clinical testing. Allele origin: germline.